The following is an entry in ClinVar:

NM_001379200.1(TBX1):c.1400C>T (p.Pro467Leu)

Gene: TBX1 (T-box transcription factor 1; plus strand). Cytogenetic location: 22q11.21.
Variant type: single nucleotide variant.
Coding change: c.1400C>T on transcript NM_001379200.1 (MANE Select); coding-DNA position 1400, C replaced by T.
Protein change: p.Pro467Leu; replaces proline 467 with leucine.
Molecular consequence: missense variant. On other transcripts: intron variant (2).
Genome position (GRCh38, 1-based): chr22:19,766,752, C>T. VCF-style: chr22-19766752-C-T. GRCh37 (hg19) VCF-style: chr22-19754275-C-T.
Other names: c.1373C>T, p.Pro458Leu (NM_080647.1); c.1009+750C>T (NM_005992.1, NM_080646.2); short protein forms P458L, P467L.
Identifiers: ClinVar variation 1403259 (VCV001403259.10), dbSNP rs1936869060, ClinGen allele CA410685328.

ClinVar aggregate classification (germline): Uncertain significance. Review status: criteria provided, multiple submitters, no conflicts (2 of 4 stars). 2 submissions from 2 submitters: Uncertain significance (2). Last evaluated 2026-06-01.

Conditions:
DiGeorge syndrome. Also called: Catch22; THIRD AND FOURTH PHARYNGEAL POUCH SYNDROME. Identifiers: Orphanet 567, MedGen C0012236, MONDO:0008564, OMIM 188400.

Allele frequency attached by ClinVar (database versions not stated): TOPMed 0.00001.

Submissions (2):

CeGaT Center for Human Genetics Tuebingen
Classification: Uncertain significance. Last evaluated: 2026-06-01. Review status: criteria provided, single submitter. Criteria: CeGaT Center For Human Genetics Tuebingen Variant Classification Criteria Version 2. Collection method: clinical testing. Allele origin: germline. Affected: yes. Observed: 1 variant allele.
Comment: TBX1: PM2

Labcorp Genetics (formerly Invitae), Labcorp
Classification: Uncertain significance for DiGeorge syndrome. Last evaluated: 2021-08-24. Review status: criteria provided, single submitter. Criteria: Invitae Variant Classification Sherloc (09022015). Collection method: clinical testing. Allele origin: germline.
Comment: In summary, the available evidence is currently insufficient to determine the role of this variant in disease. Therefore, it has been classified as a Variant of Uncertain Significance. Algorithms developed to predict the effect of missense changes on protein structure and function (SIFT, PolyPhen-2, Align-GVGD) all suggest that this variant is likely to be tolerated, but these predictions have not been confirmed by published functional studies and their clinical significance is uncertain. This variant has not been reported in the literature in individuals with TBX1-related conditions. This variant is not present in population databases (ExAC no frequency). This sequence change replaces proline with leucine at codon 458 of the TBX1 protein (p.Pro458Leu). The proline residue is weakly conserved and there is a moderate physicochemical difference between proline and leucine.